The following is an entry in ClinVar:

NM_006939.4(SOS2):c.995C>G (p.Ala332Gly)

Gene: SOS2 (SOS Ras/Rho guanine nucleotide exchange factor 2; minus strand). Cytogenetic location: 14q21.3.
Variant type: single nucleotide variant.
Coding change: c.995C>G on transcript NM_006939.4 (MANE Select); coding-DNA position 995, C replaced by G.
Protein change: p.Ala332Gly; replaces alanine 332 with glycine.
Molecular consequence: missense variant. On other transcripts: intron variant (1).
Genome position (GRCh38, 1-based): chr14:50,174,527, G>C on the plus strand (C>G on the coding strand, the complement: SOS2 is on the minus strand). VCF-style: chr14-50174527-G-C. GRCh37 (hg19) VCF-style: chr14-50641245-G-C.
Other names: c.969+6045C>G (NM_001411020.1); short protein forms A332G.
Identifiers: ClinVar variation 2862175 (VCV002862175.3), dbSNP rs2503062803, ClinGen allele CA389646825.
Genomic context (GRCh38, chr14:50,174,527, plus strand): 5'-AAGTAGTGCCAACAGTGATACACTGGCACCAGCATAAGACGTGGAAGGACATAACGAACT[G>C]CCTCTTTAAAACCATCAGCAATGGACTGCAAAGCAAAAAGATATCACAGTATGTATGTCT-3'
Protein context (NP_008870.2, residues 322-342): FQSIADGFKE[Ala332Gly]VRYVLPRLML

ClinVar aggregate classification (germline): Uncertain significance (1 of 4 stars; one submission).

Conditions:
Noonan syndrome 9 (NS9). Identifiers: Orphanet 648, MedGen C4225282, MONDO:0014691, OMIM 616559.

Submission:

Labcorp Genetics (formerly Invitae), Labcorp
Classification: Uncertain significance for Noonan syndrome 9. Last evaluated: 2023-05-05. Review status: criteria provided, single submitter. Criteria: Invitae Variant Classification Sherloc (09022015). Collection method: clinical testing. Allele origin: germline.
Comment: In summary, the available evidence is currently insufficient to determine the role of this variant in disease. Therefore, it has been classified as a Variant of Uncertain Significance. Advanced modeling of protein sequence and biophysical properties (such as structural, functional, and spatial information, amino acid conservation, physicochemical variation, residue mobility, and thermodynamic stability) performed at Invitae indicates that this missense variant is expected to disrupt SOS2 protein function. This variant has not been reported in the literature in individuals affected with SOS2-related conditions. This variant is not present in population databases (gnomAD no frequency). This sequence change replaces alanine, which is neutral and non-polar, with glycine, which is neutral and non-polar, at codon 332 of the SOS2 protein (p.Ala332Gly).